The following is an entry in ClinVar:

ClinVar aggregate classification (germline): Likely benign (1 of 4 stars; one submission).

Submission:

CeGaT Center for Human Genetics Tuebingen
Classification: Likely benign. Last evaluated: 2023-09-01. Review status: criteria provided, single submitter. Criteria: CeGaT Center For Human Genetics Tuebingen Variant Classification Criteria Version 2. Collection method: clinical testing. Allele origin: germline. Affected: yes. Observed: 1 variant allele.
Comment: POLE: PM2:Supporting, BP4, BP7

NM_006231.4(POLE):c.1125G>A (p.Arg375=)

Gene: POLE (DNA polymerase epsilon, catalytic subunit; minus strand). Cytogenetic location: 12q24.33.
Variant type: single nucleotide variant.
Coding change: c.1125G>A on transcript NM_006231.4 (MANE Select); coding-DNA position 1125, G replaced by A.
Protein change: p.Arg375=; no amino-acid change (arginine 375 retained).
Molecular consequence: synonymous variant.
Genome position (GRCh38, 1-based): chr12:132,675,499, C>T on the plus strand (G>A on the coding strand, the complement: POLE is on the minus strand). VCF-style: chr12-132675499-C-T. GRCh37 (hg19) VCF-style: chr12-133252085-C-T.
Identifiers: ClinVar variation 2643654 (VCV002643654.24), dbSNP rs2542159230, ClinGen allele CA482849737.